The following is an entry in ClinVar:

NM_001256789.3(CACNA1F):c.1014+8G>A

Gene: CACNA1F (calcium voltage-gated channel subunit alpha1 F; minus strand). Cytogenetic location: Xp11.23.
Variant type: single nucleotide variant.
Coding change: c.1014+8G>A on transcript NM_001256789.3 (MANE Select); 8 bases into the intron after coding-DNA position 1014, G replaced by A.
Molecular consequence: intron variant.
Genome position (GRCh38, 1-based): chrX:49,228,243, C>T on the plus strand (G>A on the coding strand, the complement: CACNA1F is on the minus strand). VCF-style: chrX-49228243-C-T. GRCh37 (hg19) VCF-style: chrX-49084705-C-T.
Other names: c.1014+8G>A (NM_005183.4); c.819+8G>A (NM_001256790.3).
Identifiers: ClinVar variation 2870347 (VCV002870347.3), dbSNP rs2519131286, ClinGen allele CA2517832484.

ClinVar aggregate classification (germline): Uncertain significance (1 of 4 stars; one submission).

Submission:

Labcorp Genetics (formerly Invitae), Labcorp
Classification: Uncertain significance. Last evaluated: 2025-03-17. Review status: criteria provided, single submitter. Criteria: Invitae Variant Classification Sherloc (09022015). Collection method: clinical testing. Allele origin: germline.
Comment: This sequence change falls in intron 7 of the CACNA1F gene. It does not directly change the encoded amino acid sequence of the CACNA1F protein. This variant is not present in population databases (gnomAD no frequency). This variant has not been reported in the literature in individuals affected with CACNA1F-related conditions. ClinVar contains an entry for this variant (Variation ID: 2870347). Algorithms developed to predict the effect of sequence changes on RNA splicing suggest that this variant may create or strengthen a splice site. In summary, the available evidence is currently insufficient to determine the role of this variant in disease. Therefore, it has been classified as a Variant of Uncertain Significance.